The following is an entry in ClinVar:

NM_005591.4(MRE11):c.489_490del (p.Asp163_Ile164insTer)

Gene: MRE11 (MRE11 double strand break repair nuclease; minus strand). Cytogenetic location: 11q21.
Variant type: Deletion.
Coding change: c.489_490del on transcript NM_005591.4 (MANE Select); coding-DNA positions 489 to 490, 2 bases deleted (CA; older notation c.489_490delCA).
Protein change: p.Asp163_Ile164insTer.
Molecular consequence: frameshift variant.
Genome position (GRCh38, 1-based): chr11:94,478,789-94,478,790, TG deleted on the plus strand (CA on the coding strand, the reverse complement: MRE11 is on the minus strand); deleting any 2 consecutive bases within chr11:94,478,789-94,478,791 gives the same sequence; the c. name uses the placement nearest the transcript's 3' end. VCF-style (leftmost placement, unchanged base first): chr11-94478788-ATG-A. GRCh37 (hg19) VCF-style: chr11-94211954-ATG-A.
Other names: c.489_490del, p.Asp163_Ile164insTer (NM_001330347.2, NM_005590.4).
Identifiers: ClinVar variation 2730483 (VCV002730483.3), dbSNP rs2496555781, ClinGen allele CA2615590112.
Genomic context (GRCh38, chr11:94,478,788, plus strand): 5'-GTCTTACCTAAACCATATAGCGCAATCTTTGTGCTTCCTTTTTGAAGCAAAACCGGACTA[ATG>A]TCTATCTTCTCCACAGACATTGAACGTCCAAAGTGATTTACAAATCCAGCACAACTTAAA-3'

ClinVar aggregate classification (germline): Pathogenic (1 of 4 stars; one submission).

Conditions:
Ataxia-telangiectasia-like disorder (ATLD). Identifiers: MedGen C1858391, MONDO:0011457.

Submission:

Labcorp Genetics (formerly Invitae), Labcorp
Classification: Pathogenic for Ataxia-telangiectasia-like disorder. Last evaluated: 2023-10-17. Review status: criteria provided, single submitter. Criteria: Invitae Variant Classification Sherloc (09022015). Collection method: clinical testing. Allele origin: germline.
Comment: This sequence change creates a premature translational stop signal (p.Ile164*) in the MRE11 gene. It is expected to result in an absent or disrupted protein product. Loss-of-function variants in MRE11 are known to be pathogenic (PMID: 23080121, 23912341). This variant is not present in population databases (gnomAD no frequency). This variant has not been reported in the literature in individuals affected with MRE11-related conditions. For these reasons, this variant has been classified as Pathogenic.

Literature cited by the submitters: PubMed 23080121; PubMed 23912341.